The following is an entry in ClinVar:

NM_007294.4(BRCA1):c.257T>G (p.Leu86Arg)

Gene: BRCA1 (BRCA1 DNA repair associated; minus strand). Cytogenetic location: 17q21.31.
Variant type: single nucleotide variant.
Coding change: c.257T>G on transcript NM_007294.4 (MANE Select); coding-DNA position 257, T replaced by G.
Protein change: p.Leu86Arg; replaces leucine 86 with arginine.
Molecular consequence: missense variant. On other transcripts: non-coding transcript variant (1).
Genome position (GRCh38, 1-based): chr17:43,104,912, A>C on the plus strand (T>G on the coding strand, the complement: BRCA1 is on the minus strand). VCF-style: chr17-43104912-A-C. GRCh37 (hg19) VCF-style: chr17-41256929-A-C.
Other names: c.257T>G, p.Leu86Arg (NM_001408421.1, NM_001408422.1, NM_001408423.1 and 168 more transcripts); c.125T>G, p.Leu42Arg (NM_001408451.1); c.116T>G, p.Leu39Arg (NM_001408452.1, NM_001408453.1, NM_001408454.1 and 99 more transcripts); c.179T>G, p.Leu60Arg (NM_001408474.1, NM_001408475.1, NM_001408476.1 and 21 more transcripts); c.47T>G, p.Leu16Arg (NM_001408478.1, NM_001408479.1, NM_001408480.1 and 58 more transcripts); c.-125T>G (NM_001407959.1, NM_001407960.1, NM_001407962.1 and 4 more transcripts); short protein forms L39R, L86R, L42R, L60R, L16R.
Identifiers: ClinVar variation 865340 (VCV000865340.3), dbSNP rs2054683731, ClinGen allele CA10601639.

Conditions:
Breast-ovarian cancer, familial, susceptibility to, 1 (BROVCA1). Also called: BRCA1 Hereditary Breast and Ovarian Cancer; OVARIAN CANCER, SUSCEPTIBILITY TO. Identifiers: Orphanet 145, MedGen C2676676, MONDO:0011450, OMIM 604370. Disease mechanism: loss of function.

Submission:

Brotman Baty Institute, University of Washington
No classification provided (evidence only). Condition: Breast-ovarian cancer, familial 1. Review status: no classification provided. Collection method: in vitro. Allele origin: not applicable. Functional consequence: functionally_abnormal.
ClinVar note: "not provided" was previously submitted as the classification for the variant. However, the classification appeared to be based only on an observation of functional data so it was converted to no classification on 2025-07-30.